The following is an entry in ClinVar:

NM_006950.3(SYN1):c.1966C>T (p.Pro656Ser)

Gene: SYN1 (synapsin I; minus strand). Cytogenetic location: Xp11.3.
Variant type: single nucleotide variant.
Coding change: c.1966C>T on transcript NM_006950.3 (MANE Select); coding-DNA position 1966, C replaced by T.
Protein change: p.Pro656Ser; replaces proline 656 with serine.
Molecular consequence: missense variant.
Genome position (GRCh38, 1-based): chrX:47,574,018, G>A on the plus strand (C>T on the coding strand, the complement: SYN1 is on the minus strand). VCF-style: chrX-47574018-G-A. GRCh37 (hg19) VCF-style: chrX-47433417-G-A.
Other names: c.1966C>T, p.Pro656Ser (NM_133499.2); short protein forms P656S.
Identifiers: ClinVar variation 2878805 (VCV002878805.5), dbSNP rs2057768744, ClinGen allele CA412822021.

ClinVar aggregate classification (germline): Uncertain significance. Review status: criteria provided, multiple submitters, no conflicts (2 of 4 stars). 3 submissions from 3 submitters: Uncertain significance (2). 1 of the submissions does not count toward it. Last evaluated 2025-06-29.

Conditions:
Inborn genetic diseases. Identifiers: MedGen C0950123, MeSH D030342.
Epilepsy, X-linked 1, with variable learning disabilities and behavior disorders. Also called: X-linked epilepsy-learning disabilities-behavior disorders syndrome. Identifiers: Orphanet 85294, MedGen C5774177, MONDO:0010339, OMIM 300491.
SYN1-related disorder. Also called: SYN1-related condition; SYN1-Related Disorders.

Submissions (3):

Labcorp Genetics (formerly Invitae), Labcorp
Classification: Uncertain significance for Epilepsy, X-linked 1, with variable learning disabilities and behavior disorders. Last evaluated: 2025-06-29. Review status: criteria provided, single submitter. Criteria: Invitae Variant Classification Sherloc (09022015). Collection method: clinical testing. Allele origin: germline.
Comment: This sequence change replaces proline, which is neutral and non-polar, with serine, which is neutral and polar, at codon 656 of the SYN1 protein (p.Pro656Ser). This variant is not present in population databases (gnomAD no frequency). This variant has not been reported in the literature in individuals affected with SYN1-related conditions. ClinVar contains an entry for this variant (Variation ID: 2878805). Experimental studies and prediction algorithms are not available or were not evaluated, and the functional significance of this variant is currently unknown. In summary, the available evidence is currently insufficient to determine the role of this variant in disease. Therefore, it has been classified as a Variant of Uncertain Significance.

Ambry Genetics
Classification: Uncertain significance for Inborn genetic diseases. Last evaluated: 2025-02-26. Review status: criteria provided, single submitter. Criteria: Ambry Variant Classification Scheme 2023. Collection method: clinical testing. Allele origin: germline.

PreventionGenetics, part of Exact Sciences
Classification: Uncertain significance for SYN1-related condition. Last evaluated: 2024-09-08. Review status: no assertion criteria provided. Collection method: clinical testing. Allele origin: germline. Not counted in ClinVar's aggregate classification.
Comment: The SYN1 c.1966C>T variant is predicted to result in the amino acid substitution p.Pro656Ser. To our knowledge, this variant has not been reported in the literature or in a large population database, indicating this variant is rare. At this time, the clinical significance of this variant is uncertain due to the absence of conclusive functional and genetic evidence.